The following is an entry in ClinVar:

ClinVar aggregate classification (germline): Pathogenic (1 of 4 stars; one submission).

Conditions:
GNPTAB-mucolipidosis. Also called: UDP-N-acetylglucosamine-1-phosphotransferase subunit alpha/beta deficiency. Identifiers: MedGen CN322573, MONDO:0100122.

Submission:

Myriad Genetics, Inc.
Classification: Pathogenic for GNPTAB-mucolipidosis. Last evaluated: 2025-12-27. Review status: criteria provided, single submitter. Criteria: Myriad Autosomal Dominant, Autosomal Recessive and X-Linked Classification Criteria (2023). Collection method: clinical testing. Allele origin: unknown.
Comment: NM_024312.4(GNPTAB):c.2088_2095del8(L697Yfs*48) is expected to be pathogenic in the context of GNPTAB-related disorders. This variant is predicted to lead to an abnormal or absent protein product due to the creation of a premature termination codon in GNPTAB, a gene where loss-of-function variants are known to be pathogenic. Please note: this variant was assessed in the context of healthy population screening.

NM_024312.5(GNPTAB):c.2088_2095del (p.Leu697fs)

Gene: GNPTAB (N-acetylglucosamine-1-phosphate transferase subunits alpha and beta; minus strand). Cytogenetic location: 12q23.2.
Variant type: Deletion.
Coding change: c.2088_2095del on transcript NM_024312.5 (MANE Select); coding-DNA positions 2088 to 2095, 8 bases deleted (CCTGGTAA; older notation c.2088_2095delCCTGGTAA).
Protein change: p.Leu697fs; shifts the reading frame from leucine 697.
Molecular consequence: frameshift variant.
Genome position (GRCh38, 1-based): chr12:101,764,822-101,764,829, TTACCAGG deleted on the plus strand (CCTGGTAA on the coding strand, the reverse complement: GNPTAB is on the minus strand). VCF-style (leftmost placement, unchanged base first): chr12-101764821-TTTACCAGG-T. GRCh37 (hg19) VCF-style: chr12-102158599-TTTACCAGG-T.
Other names: short protein forms L697fs.
Identifiers: ClinVar variation 5015374 (VCV005015374.1).